The following is an entry in ClinVar:

ClinVar aggregate classification (germline): Uncertain significance. Review status: criteria provided, multiple submitters, no conflicts (2 of 4 stars). 5 submissions from 5 submitters: Uncertain significance (5). Last evaluated 2025-10-15.

Conditions:
Inborn genetic diseases. Identifiers: MedGen C0950123, MeSH D030342.
Progressive myoclonic epilepsy. Also called: Familial progressive myoclonic epilepsy; Myoclonic Epilepsies, Progressive; Progressive myoclonus epilepsy; Myoclonus epilepsy. Identifiers: Orphanet 308, Orphanet 98261, MedGen C0751778, MONDO:0020074.

Allele frequency attached by ClinVar (database versions not stated): gnomAD 0.00001; gnomAD exomes 0.00002; TOPMed 0.00002; ExAC 0.00003; ESP Exome Variant Server 0.00008.
gnomAD v4.1: 25 of 1,612,384 alleles (0.0016%); highest among the groups gnomAD compares: South Asian, 0.0022%; 1 homozygote.

Submissions (5):

Ambry Genetics
Classification: Uncertain significance for Inborn genetic diseases. Last evaluated: 2025-10-15. Review status: criteria provided, single submitter. Criteria: Ambry Variant Classification Scheme 2023. Collection method: clinical testing. Allele origin: germline.

GeneDx
Classification: Uncertain significance. Last evaluated: 2023-04-28. Review status: criteria provided, single submitter. Criteria: GeneDx Variant Classification Process June 2021. Collection method: clinical testing. Allele origin: germline. Affected: yes.
Comment: Not observed at significant frequency in large population cohorts (gnomAD); In silico analysis supports that this missense variant does not alter protein structure/function; Has not been previously published as pathogenic or benign to our knowledge

Labcorp Genetics (formerly Invitae), Labcorp
Classification: Uncertain significance for Progressive myoclonic epilepsy. Last evaluated: 2022-08-23. Review status: criteria provided, single submitter. Criteria: Invitae Variant Classification Sherloc (09022015). Collection method: clinical testing. Allele origin: germline.
Comment: This sequence change replaces glutamic acid, which is acidic and polar, with lysine, which is basic and polar, at codon 122 of the GOSR2 protein (p.Glu122Lys). This variant is present in population databases (rs374613085, gnomAD 0.003%). This variant has not been reported in the literature in individuals affected with GOSR2-related conditions. ClinVar contains an entry for this variant (Variation ID: 589948). Algorithms developed to predict the effect of missense changes on protein structure and function (SIFT, PolyPhen-2, Align-GVGD) all suggest that this variant is likely to be tolerated. In summary, the available evidence is currently insufficient to determine the role of this variant in disease. Therefore, it has been classified as a Variant of Uncertain Significance.

Blueprint Genetics
Classification: Uncertain significance. Last evaluated: 2022-01-17. Review status: criteria provided, single submitter. Criteria: ACMG Guidelines, 2015. Collection method: clinical testing. Allele origin: germline.

Revvity Omics, Revvity
Classification: Uncertain significance. Last evaluated: 2019-06-24. Review status: criteria provided, single submitter. Criteria: ACMG Guidelines, 2015. Collection method: clinical testing. Allele origin: germline.

NM_004287.5(GOSR2):c.364G>A (p.Glu122Lys)

Genes: GOSR2 (golgi SNAP receptor complex member 2; plus strand), LRRC37A2 (leucine rich repeat containing 37 member A2). Cytogenetic location: 17q21.32.
Variant type: single nucleotide variant.
Coding change: c.364G>A on transcript NM_004287.5 (MANE Select); coding-DNA position 364, G replaced by A.
Protein change: p.Glu122Lys; replaces glutamic acid 122 with lysine.
Molecular consequence: missense variant. On other transcripts: non-coding transcript variant (1), intron variant (4).
Genome position (GRCh38, 1-based): chr17:46,935,056, G>A. VCF-style: chr17-46935056-G-A. GRCh37 (hg19) VCF-style: chr17-45012422-G-A.
Other names: c.364G>A, p.Glu122Lys (NM_001012511.3, NM_001321133.2, NM_054022.4); c.361G>A, p.Glu121Lys (NM_001353114.2); c.310G>A, p.Glu104Lys (NM_001363851.2); c.282+2857G>A (NM_001321134.2); c.336+2857G>A (NM_001330252.2); c.333+2857G>A (NM_001353115.2, NM_001353116.2); short protein forms E122K, E121K, E104K.
Identifiers: ClinVar variation 589948 (VCV000589948.18), dbSNP rs374613085, ClinGen allele CA8621283.